The following is an entry in ClinVar:

ClinVar aggregate classification (germline): Uncertain significance (1 of 4 stars; one submission).

Allele frequency attached by ClinVar (database versions not stated): gnomAD exomes 0.00003; ExAC 0.00005; TOPMed 0.00005; gnomAD 0.00006; ESP Exome Variant Server 0.00025.
gnomAD v4.1: 55 of 1,613,486 alleles (0.0034%); highest among the groups gnomAD compares: African/African-American, 0.011%; no homozygotes.

Submission:

CeGaT Center for Human Genetics Tuebingen
Classification: Uncertain significance. Last evaluated: 2024-02-01. Review status: criteria provided, single submitter. Criteria: CeGaT Center For Human Genetics Tuebingen Variant Classification Criteria Version 2. Collection method: clinical testing. Allele origin: germline. Affected: yes. Observed: 1 variant allele.
Comment: DNAH10: PM2, BP4

NM_001372106.1(DNAH10):c.10535G>A (p.Arg3512Gln)

Gene: DNAH10 (dynein axonemal heavy chain 10; plus strand). Cytogenetic location: 12q24.31.
Variant type: single nucleotide variant.
Coding change: c.10535G>A on transcript NM_001372106.1 (MANE Select); coding-DNA position 10535, G replaced by A.
Protein change: p.Arg3512Gln; replaces arginine 3512 with glutamine.
Molecular consequence: missense variant.
Genome position (GRCh38, 1-based): chr12:123,914,511, G>A. VCF-style: chr12-123914511-G-A. GRCh37 (hg19) VCF-style: chr12-124399058-G-A.
Other names: c.10181G>A, p.Arg3394Gln (NM_001083900.1, NM_207437.3); short protein forms R3394Q, R3512Q.
Identifiers: ClinVar variation 3025251 (VCV003025251.22), dbSNP rs373192194, ClinGen allele CA6865405.
Genomic context (GRCh38, chr12:123,914,511, plus strand): 5'-TCAATCGGATTTGGCAAAATGACATCCTGGAGCGGGAGATCCCCCTGAGCCAGCCTTTCC[G>A]GCTGGAAAGCCTGCTCACGGATGATGTTGAGATCAGCAGGTGTGTGGCACCCTGAGCCAG-3'
Protein context (NP_001359035.1, residues 3502-3522): EREIPLSQPF[Arg3512Gln]LESLLTDDVE